The following is an entry in ClinVar:

NM_004329.3(BMPR1A):c.379A>C (p.Thr127Pro)

Gene: BMPR1A (bone morphogenetic protein receptor type 1A; plus strand). Cytogenetic location: 10q23.2.
Variant type: single nucleotide variant.
Coding change: c.379A>C on transcript NM_004329.3 (MANE Select); coding-DNA position 379, A replaced by C.
Protein change: p.Thr127Pro; replaces threonine 127 with proline.
Molecular consequence: missense variant.
Genome position (GRCh38, 1-based): chr10:86,899,839, A>C. VCF-style: chr10-86899839-A-C. GRCh37 (hg19) VCF-style: chr10-88659596-A-C.
Other names: short protein forms T127P.
Identifiers: ClinVar variation 1498928 (VCV001498928.8), dbSNP rs2133454135, ClinGen allele CA377449486.

ClinVar aggregate classification (germline): Uncertain significance (1 of 4 stars; one submission).

Conditions:
Juvenile polyposis syndrome (JPS). Identifiers: Orphanet 2929, MedGen C0345893, MONDO:0017380, OMIM 174900.

Submission:

Labcorp Genetics (formerly Invitae), Labcorp
Classification: Uncertain significance for Juvenile polyposis syndrome. Last evaluated: 2020-12-19. Review status: criteria provided, single submitter. Criteria: Invitae Variant Classification Sherloc (09022015). Collection method: clinical testing. Allele origin: germline.
Comment: In summary, the available evidence is currently insufficient to determine the role of this variant in disease. Therefore, it has been classified as a Variant of Uncertain Significance. Algorithms developed to predict the effect of missense changes on protein structure and function are either unavailable or do not agree on the potential impact of this missense change (SIFT: "Tolerated"; PolyPhen-2: "Probably Damaging"; Align-GVGD: "Class C0"). This variant has not been reported in the literature in individuals with BMPR1A-related conditions. This variant is not present in population databases (ExAC no frequency). This sequence change replaces threonine with proline at codon 127 of the BMPR1A protein (p.Thr127Pro). The threonine residue is highly conserved and there is a small physicochemical difference between threonine and proline.